The following is an entry in ClinVar:

NM_002432.3(MNDA):c.697A>C (p.Ser233Arg)

Gene: MNDA (myeloid cell nuclear differentiation antigen; plus strand). Cytogenetic location: 1q23.1.
Variant type: single nucleotide variant.
Coding change: c.697A>C on transcript NM_002432.3 (MANE Select); coding-DNA position 697, A replaced by C.
Protein change: p.Ser233Arg; replaces serine 233 with arginine.
Molecular consequence: missense variant.
Genome position (GRCh38, 1-based): chr1:158,845,713, A>C. VCF-style: chr1-158845713-A-C. GRCh37 (hg19) VCF-style: chr1-158815503-A-C.
Other names: short protein forms S233R.
Identifiers: ClinVar variation 1756409 (VCV001756409.2), dbSNP rs2526087540, ClinGen allele CA343041109.
Genomic context (GRCh38, chr1:158,845,713, plus strand): 5'-ACAGTGGTGGTACTGAAAGCAACAGCGCCATTTAAATACGAGTCCCCAGAAAATGGGAAA[A>C]GCACAATGTTTCATGCTACAGTGGCCAGTAAGACTCAATATTTCCATGTGAAAGTCTTCG-3'
Protein context (NP_002423.1, residues 223-243): FKYESPENGK[Ser233Arg]TMFHATVASK

ClinVar aggregate classification (germline): Uncertain significance (1 of 4 stars; one submission).

Submission:

Ambry Genetics
Classification: Uncertain significance. Last evaluated: 2022-04-19. Review status: criteria provided, single submitter. Criteria: Ambry Variant Classification Scheme 2023. Collection method: clinical testing. Allele origin: germline.
Comment: The p.S233R variant (also known as c.697A>C), located in coding exon 4 of the MNDA gene, results from an A to C substitution at nucleotide position 697. The serine at codon 233 is replaced by arginine, an amino acid with dissimilar properties. This amino acid position is conserved. In addition, this alteration is predicted to be tolerated by in silico analysis. Since supporting evidence is limited at this time, the clinical significance of this alteration remains unclear.